The following is an entry in ClinVar:

NM_030962.4(SBF2):c.3979-148T>C

Gene: SBF2 (SET binding factor 2; minus strand). Cytogenetic location: 11p15.4.
Variant type: single nucleotide variant.
Coding change: c.3979-148T>C on transcript NM_030962.4 (MANE Select); 148 bases into the intron before coding-DNA position 3979, T replaced by C.
Molecular consequence: intron variant.
Genome position (GRCh38, 1-based): chr11:9,812,856, A>G on the plus strand (T>C on the coding strand, the complement: SBF2 is on the minus strand). VCF-style: chr11-9812856-A-G. GRCh37 (hg19) VCF-style: chr11-9834403-A-G.
Other names: c.3850-148T>C (NM_001386342.1); c.4075-148T>C (NM_001386339.1).
Identifiers: ClinVar variation 669264 (VCV000669264.1), dbSNP rs4910066, ClinGen allele CA15694783.

ClinVar aggregate classification (germline): Benign (1 of 4 stars; one submission).

Allele frequency attached by ClinVar (database versions not stated): 1000 Genomes Project 0.69269; 1000 Genomes Project 30x 0.69847; TOPMed 0.82006; gnomAD 0.83366 and 0.84353; gnomAD exomes 0.83723.
gnomAD v4.1: 628,253 of 751,314 alleles (84%); highest among the groups gnomAD compares: Non-Finnish European, 89%; 268,560 homozygotes.

Submission:

GeneDx
Classification: Benign. Last evaluated: 2018-06-14. Review status: criteria provided, single submitter. Criteria: GeneDx Variant Classification (06012015). Collection method: clinical testing. Allele origin: germline. Affected: yes.
Comment: This variant is considered likely benign or benign based on one or more of the following criteria: it is a conservative change, it occurs at a poorly conserved position in the protein, it is predicted to be benign by multiple in silico algorithms, and/or has population frequency not consistent with disease.